The following is an entry in ClinVar:

ClinVar aggregate classification (germline): Uncertain significance. Review status: criteria provided, multiple submitters, no conflicts (2 of 4 stars). 2 submissions from 2 submitters: Uncertain significance (2). Last evaluated 2022-08-23.

Conditions:
Desbuquois dysplasia 1 (DBQD1). Also called: MICROMELIC DWARFISM WITH VERTEBRAL AND METAPHYSEAL ABNORMALITIES AND ADVANCED CARPOTARSAL OSSIFICATION; DESBUQUOIS DYSPLASIA 1, KIM VARIANT. Identifiers: Orphanet 1425, MedGen C4012146, MONDO:0009629, OMIM 251450.

Allele frequency attached by ClinVar (database versions not stated): gnomAD 0.00012; TOPMed 0.00012; ESP Exome Variant Server 0.00016; gnomAD exomes 0.00016 and 0.00019; ExAC 0.00022.
gnomAD v4.1: 291 of 1,561,456 alleles (0.019%); highest among the groups gnomAD compares: Non-Finnish European, 0.022%; no homozygotes.

Submissions (2):

Labcorp Genetics (formerly Invitae), Labcorp
Classification: Uncertain significance. Last evaluated: 2022-08-23. Review status: criteria provided, single submitter. Criteria: Invitae Variant Classification Sherloc (09022015). Collection method: clinical testing. Allele origin: germline.
Comment: This sequence change falls in intron 3 of the CANT1 gene. It does not directly change the encoded amino acid sequence of the CANT1 protein. It affects a nucleotide within the consensus splice site. This variant is present in population databases (rs375082589, gnomAD 0.03%). This variant has not been reported in the literature in individuals affected with CANT1-related conditions. ClinVar contains an entry for this variant (Variation ID: 890769). Variants that disrupt the consensus splice site are a relatively common cause of aberrant splicing (PMID: 17576681, 9536098). Algorithms developed to predict the effect of sequence changes on RNA splicing suggest that this variant is not likely to affect RNA splicing. In summary, the available evidence is currently insufficient to determine the role of this variant in disease. Therefore, it has been classified as a Variant of Uncertain Significance.

Illumina Laboratory Services, Illumina
Classification: Uncertain significance for Desbuquois dysplasia 1. Last evaluated: 2018-01-13. Review status: criteria provided, single submitter. Criteria: ICSL Variant Classification Criteria 13 December 2019. Collection method: clinical testing. Allele origin: germline.

Literature cited by the submitters: PubMed 17576681 (cited by Labcorp Genetics (formerly Invitae), Labcorp); PubMed 9536098 (cited by Labcorp Genetics (formerly Invitae), Labcorp).

NM_001159773.2(CANT1):c.835+6A>G

Gene: CANT1 (calcium activated nucleotidase 1; minus strand). Cytogenetic location: 17q25.3.
Variant type: single nucleotide variant.
Coding change: c.835+6A>G on transcript NM_001159773.2 (MANE Select); 6 bases into the intron after coding-DNA position 835, A replaced by G.
Molecular consequence: intron variant.
Genome position (GRCh38, 1-based): chr17:78,995,012, T>C on the plus strand (A>G on the coding strand, the complement: CANT1 is on the minus strand). VCF-style: chr17-78995012-T-C. GRCh37 (hg19) VCF-style: chr17-76991094-T-C.
Other names: c.835+6A>G (NM_138793.4, NM_001159772.2).
Identifiers: ClinVar variation 890769 (VCV000890769.6), dbSNP rs375082589, ClinGen allele CA8808597.